The following is an entry in ClinVar:

ClinVar aggregate classification (germline): Uncertain significance. Review status: criteria provided, multiple submitters, no conflicts (2 of 4 stars). 2 submissions from 2 submitters: Uncertain significance (2). Last evaluated 2025-10-18.

Conditions:
Inborn genetic diseases. Identifiers: MedGen C0950123, MeSH D030342.

Allele frequency attached by ClinVar (database versions not stated): gnomAD exomes below 0.00001; TOPMed 0.00003; gnomAD 0.00004.
gnomAD v4.1: 7 of 1,613,746 alleles (0.00043%); highest among the groups gnomAD compares: African/African-American, 0.0093%; no homozygotes.

Submissions (2):

Ambry Genetics
Classification: Uncertain significance for Inborn genetic diseases. Last evaluated: 2025-10-18. Review status: criteria provided, single submitter. Criteria: Ambry Variant Classification Scheme 2023. Collection method: clinical testing. Allele origin: germline.

Labcorp Genetics (formerly Invitae), Labcorp
Classification: Uncertain significance. Last evaluated: 2023-08-23. Review status: criteria provided, single submitter. Criteria: Invitae Variant Classification Sherloc (09022015). Collection method: clinical testing. Allele origin: germline.
Comment: An algorithm developed to predict the effect of missense changes on protein structure and function (PolyPhen-2) suggests that this variant is likely to be disruptive. In summary, the available evidence is currently insufficient to determine the role of this variant in disease. Therefore, it has been classified as a Variant of Uncertain Significance. This variant has not been reported in the literature in individuals affected with OBSL1-related conditions. This variant is present in population databases (no rsID available, gnomAD 0.01%). This sequence change replaces aspartic acid, which is acidic and polar, with tyrosine, which is neutral and polar, at codon 934 of the OBSL1 protein (p.Asp934Tyr).

NM_015311.3(OBSL1):c.2800G>T (p.Asp934Tyr)

Gene: OBSL1 (obscurin like cytoskeletal adaptor 1; minus strand). Cytogenetic location: 2q35.
Variant type: single nucleotide variant.
Coding change: c.2800G>T on transcript NM_015311.3 (MANE Select); coding-DNA position 2800, G replaced by T.
Protein change: p.Asp934Tyr; replaces aspartic acid 934 with tyrosine.
Molecular consequence: missense variant.
Genome position (GRCh38, 1-based): chr2:219,562,555, C>A on the plus strand (G>T on the coding strand, the complement: OBSL1 is on the minus strand). VCF-style: chr2-219562555-C-A. GRCh37 (hg19) VCF-style: chr2-220427277-C-A.
Other names: c.2800G>T, p.Asp934Tyr (NM_001173408.2, NM_001173431.2); c.2800G>T (NM_015311.2); short protein forms D934Y.
Identifiers: ClinVar variation 2994439 (VCV002994439.4), dbSNP rs1484592274, ClinGen allele CA350744742.